The following is an entry in ClinVar:

ClinVar aggregate classification (germline): Uncertain significance. Review status: criteria provided, multiple submitters, no conflicts (2 of 4 stars). 5 submissions from 5 submitters: Uncertain significance (5). Last evaluated 2025-06-23.

Conditions:
Hereditary cancer-predisposing syndrome. Also called: Hereditary neoplastic syndrome; Hereditary Cancer Syndrome; Neoplastic Syndromes, Hereditary; Tumor predisposition. Identifiers: Orphanet 140162, MedGen C0027672, MeSH D009386, MONDO:0015356.
Breast-ovarian cancer, familial, susceptibility to, 2 (BROVCA2). Also called: BRCA2 Hereditary Breast and Ovarian Cancer. Identifiers: Orphanet 145, MedGen C2675520, MONDO:0012933, OMIM 612555. Disease mechanism: loss of function.
Hereditary breast ovarian cancer syndrome. Also called: Hereditary breast and ovarian cancer syndrome; BRCA1- and BRCA2-Associated Hereditary Breast and Ovarian Cancer; Hereditary breast and/or ovarian cancer syndrome; Hereditary breast and ovarian cancer; Breast and ovarian cancer; Hereditary breast and ovarian cancer syndrome (HBOC). Identifiers: Orphanet 145, MedGen C0677776, MeSH D061325, MONDO:0003582. Disease mechanism: loss of function.

Submissions (5):

Ambry Genetics
Classification: Uncertain significance for Hereditary cancer-predisposing syndrome. Last evaluated: 2025-06-23. Review status: criteria provided, single submitter. Criteria: Ambry Variant Classification Scheme 2023. Collection method: clinical testing. Allele origin: germline.
Comment: The p.K2673R variant (also known as c.8018A>G), located in coding exon 17 of the BRCA2 gene, results from an A to G substitution at nucleotide position 8018. The lysine at codon 2673 is replaced by arginine, an amino acid with highly similar properties. This amino acid position is conserved. In addition, the in silico prediction for this alteration is inconclusive. Based on the available evidence, the clinical significance of this variant remains unclear.

Labcorp Genetics (formerly Invitae), Labcorp
Classification: Uncertain significance for Hereditary breast ovarian cancer syndrome. Last evaluated: 2024-05-11. Review status: criteria provided, single submitter. Criteria: Invitae Variant Classification Sherloc (09022015). Collection method: clinical testing. Allele origin: germline.
Comment: This sequence change replaces lysine, which is basic and polar, with arginine, which is basic and polar, at codon 2673 of the BRCA2 protein (p.Lys2673Arg). This variant is not present in population databases (gnomAD no frequency). This variant has not been reported in the literature in individuals affected with BRCA2-related conditions. ClinVar contains an entry for this variant (Variation ID: 423317). Advanced modeling of protein sequence and biophysical properties (such as structural, functional, and spatial information, amino acid conservation, physicochemical variation, residue mobility, and thermodynamic stability) performed at Invitae indicates that this missense variant is not expected to disrupt BRCA2 protein function with a negative predictive value of 95%. In summary, the available evidence is currently insufficient to determine the role of this variant in disease. Therefore, it has been classified as a Variant of Uncertain Significance.

All of Us Research Program, National Institutes of Health
Classification: Uncertain significance for Breast-ovarian cancer, familial, susceptibility to, 2. Last evaluated: 2023-12-13. Review status: criteria provided, single submitter. Criteria: ACMG Guidelines, 2015. Collection method: clinical testing. Allele origin: germline. Inheritance: Autosomal dominant inheritance. Observed: 1 variant allele, 1 heterozygote.
Comment: This missense variant replaces lysine with arginine at codon 2673 of the BRCA2 protein. Computational prediction is inconclusive regarding the impact of this variant on protein structure and function (internally defined REVEL score threshold 0.5 < inconclusive < 0.7, PMID: 27666373). To our knowledge, functional studies have not been reported for this variant. This variant has not been reported in individuals affected with BRCA2-related disorders in the literature. This variant has not been identified in the general population by the Genome Aggregation Database (gnomAD). The available evidence is insufficient to determine the role of this variant in disease conclusively. Therefore, this variant is classified as a Variant of Uncertain Significance.

This study involves interpretation of variants in research participants for the purpose of population health screening. Participant phenotype was not available at the time of variant classification. Additional details can be found in publication PMID: 35346344, PMCID: PMC8962531

Color Diagnostics, LLC DBA Color Health
Classification: Uncertain significance for Hereditary cancer-predisposing syndrome. Last evaluated: 2023-12-04. Review status: criteria provided, single submitter. Criteria: ACMG Guidelines, 2015. Collection method: clinical testing. Allele origin: germline.
Comment: This missense variant replaces lysine with arginine at codon 2673 of the BRCA2 protein. Computational prediction is inconclusive regarding the impact of this variant on protein structure and function (internally defined REVEL score threshold 0.5 < inconclusive < 0.7, PMID: 27666373). To our knowledge, functional studies have not been reported for this variant. This variant has been reported in an individual affected with breast cancer (PMID: 37664050). This variant has not been identified in the general population by the Genome Aggregation Database (gnomAD). The available evidence is insufficient to determine the role of this variant in disease conclusively. Therefore, this variant is classified as a Variant of Uncertain Significance.

GeneDx
Classification: Uncertain significance. Last evaluated: 2017-01-30. Review status: criteria provided, single submitter. Criteria: GeneDx Variant Classification (06012015). Collection method: clinical testing. Allele origin: germline. Affected: yes.
Comment: This variant is denoted BRCA2 c.8018A>G at the cDNA level, p.Lys2673Arg (K2673R) at the protein level, and results in the change of a Lysine to an Arginine (AAA>AGA). Using alternate nomenclature, this variant would be defined as BRCA2 8246A>G. This variant has not, to our knowledge, been published in the literature as pathogenic or benign. BRCA2 Lys2673Arg was not observed in approximately 6,500 individuals of European and African American ancestry in the NHLBI Exome Sequencing Project, suggesting it is not a common benign variant in these populations. Since Lysine and Arginine share similar properties, this is considered a conservative amino acid substitution. BRCA2 Lys2673Arg occurs at a position where amino acids with properties similar to Lysine are tolerated across species and is located in the DNA binding domain . In silico analyses are inconsistent regarding the effect this variant may have on protein structure and function. Based on currently available evidence, it is unclear whether BRCA2 Lys2673Arg is a pathogenic or benign variant. We consider it to be a variant of uncertain significance.

Literature cited by the submitters: PubMed 37664050 (cited by Color Diagnostics, LLC DBA Color Health).

NM_000059.4(BRCA2):c.8018A>G (p.Lys2673Arg)

Gene: BRCA2 (BRCA2 DNA repair associated; plus strand). Cytogenetic location: 13q13.1.
Variant type: single nucleotide variant.
Coding change: c.8018A>G on transcript NM_000059.4 (MANE Select); coding-DNA position 8018, A replaced by G.
Protein change: p.Lys2673Arg; replaces lysine 2673 with arginine.
Molecular consequence: missense variant.
Genome position (GRCh38, 1-based): chr13:32,363,220, A>G. VCF-style: chr13-32363220-A-G. GRCh37 (hg19) VCF-style: chr13-32937357-A-G.
Other names: short protein forms K2673R.
Identifiers: ClinVar variation 423317 (VCV000423317.17), dbSNP rs1064796358, ClinGen allele CA16619776.